The following is an entry in ClinVar:

NM_000534.5(PMS1):c.174G>T (p.Gly58=)

Gene: PMS1 (PMS1 homolog 1, mismatch repair system component; plus strand). Cytogenetic location: 2q32.2.
Variant type: single nucleotide variant.
Coding change: c.174G>T on transcript NM_000534.5 (MANE Select); coding-DNA position 174, G replaced by T.
Protein change: p.Gly58=; no amino-acid change (glycine 58 retained).
Molecular consequence: synonymous variant. On other transcripts: 5 prime UTR variant (1), non-coding transcript variant (1), intron variant (2).
Genome position (GRCh38, 1-based): chr2:189,795,810, G>T. VCF-style: chr2-189795810-G-T. GRCh37 (hg19) VCF-style: chr2-190660536-G-T.
Other names: NC_000002.11:g.190660536G>T; c.174G>T, p.Gly58= (NM_001128143.2, NM_001128144.2, NM_001321044.2 and 5 more transcripts); c.-252G>T (NM_001289408.2); c.132+3869G>T (NM_001321046.2); c.-111+3869G>T (NM_001289409.2); c.174G>T (NM_001321048.1).
Identifiers: ClinVar variation 333202 (VCV000333202.14), dbSNP rs143323454, ClinGen allele CA2026316.

ClinVar aggregate classification (germline): Benign/Likely benign. Review status: criteria provided, multiple submitters, no conflicts (2 of 4 stars). 4 submissions from 4 submitters: Benign (1); Likely benign (2). 1 of the submissions does not count toward it. Last evaluated 2026-03-01.

Conditions:
PMS1-related disorder. Also called: PMS1-related condition.

Allele frequency attached by ClinVar (database versions not stated): 1000 Genomes Project 30x 0.00047; 1000 Genomes Project 0.00060; ESP Exome Variant Server 0.00246; gnomAD 0.00251 and 0.00258; gnomAD exomes 0.00274 and 0.00388; TOPMed 0.00287; ExAC 0.00331.
gnomAD v4.1: 5,963 of 1,613,812 alleles (0.37%); highest among the groups gnomAD compares: Non-Finnish European, 0.46%; 18 homozygotes.

Submissions (11):

CeGaT Center for Human Genetics Tuebingen
Classification: Likely benign. Last evaluated: 2026-03-01. Review status: criteria provided, single submitter. Criteria: CeGaT Center For Human Genetics Tuebingen Variant Classification Criteria Version 2. Collection method: clinical testing. Allele origin: germline. Affected: yes. Observed: 3 variant alleles.
Comment: PMS1: BP4, BP7, BS2

Blueprint Genetics
Classification: Likely benign. Last evaluated: 2024-11-25. Review status: criteria provided, single submitter. Criteria: ACMG Guidelines, 2015. Collection method: clinical testing. Allele origin: germline.

Labcorp Genetics (formerly Invitae), Labcorp
Classification: Benign. Last evaluated: 2019-12-31. Review status: criteria provided, single submitter. Criteria: Invitae Variant Classification Sherloc (09022015). Collection method: clinical testing. Allele origin: germline.

PreventionGenetics, part of Exact Sciences
Classification: Benign for PMS1-related condition. Last evaluated: 2020-09-29. Review status: no assertion criteria provided. Collection method: clinical testing. Allele origin: germline. Not counted in ClinVar's aggregate classification.
Comment: This variant is classified as benign based on ACMG/AMP sequence variant interpretation guidelines (Richards et al. 2015 PMID: 25741868, with internal and published modifications).

Dr. Peter K. Rogan Lab, Western University
No classification provided (evidence only). Condition: Familial cancer of breast. Review status: no classification provided. Collection method: in vitro. Allele origin: not applicable. Functional consequence: retained intron. Not counted in ClinVar's aggregate classification.

Dr. Peter K. Rogan Lab, Western University
No classification provided (evidence only). Condition: Thyroid cancer, nonmedullary, 1. Review status: no classification provided. Collection method: in vitro. Allele origin: not applicable. Functional consequence: skipped exon. Not counted in ClinVar's aggregate classification.

Dr. Peter K. Rogan Lab, Western University
No classification provided (evidence only). Condition: Thyroid cancer, nonmedullary, 1. Review status: no classification provided. Collection method: in vitro. Allele origin: not applicable. Functional consequence: retained intron. Not counted in ClinVar's aggregate classification.

Dr. Peter K. Rogan Lab, Western University
No classification provided (evidence only). Condition: Thyroid cancer, nonmedullary, 1. Review status: no classification provided. Collection method: in vitro. Allele origin: not applicable. Functional consequence: skipped exon. Not counted in ClinVar's aggregate classification.

Dr. Peter K. Rogan Lab, Western University
No classification provided (evidence only). Condition: Sarcoma. Review status: no classification provided. Collection method: in vitro. Allele origin: not applicable. Functional consequence: retained intron. Not counted in ClinVar's aggregate classification.

Dr. Peter K. Rogan Lab, Western University
No classification provided (evidence only). Condition: Ovarian serous cystadenocarcinoma. Review status: no classification provided. Collection method: in vitro. Allele origin: not applicable. Functional consequence: retained intron. Not counted in ClinVar's aggregate classification.

Dr. Peter K. Rogan Lab, Western University
No classification provided (evidence only). Condition: Uterine carcinosarcoma. Review status: no classification provided. Collection method: in vitro. Allele origin: not applicable. Functional consequence: retained intron. Not counted in ClinVar's aggregate classification.